The following is an entry in ClinVar:

NM_015450.3(POT1):c.677A>G (p.His226Arg)

Gene: POT1 (protection of telomeres 1; minus strand). Cytogenetic location: 7q31.33.
Variant type: single nucleotide variant.
Coding change: c.677A>G on transcript NM_015450.3 (MANE Select); coding-DNA position 677, A replaced by G.
Protein change: p.His226Arg; replaces histidine 226 with arginine.
Molecular consequence: missense variant. On other transcripts: non-coding transcript variant (3).
Genome position (GRCh38, 1-based): chr7:124,858,982, T>C on the plus strand (A>G on the coding strand, the complement: POT1 is on the minus strand). VCF-style: chr7-124858982-T-C. GRCh37 (hg19) VCF-style: chr7-124499036-T-C.
Other names: c.284A>G, p.His95Arg (NM_001042594.2); short protein forms H226R, H95R.
Identifiers: ClinVar variation 1701086 (VCV001701086.5), dbSNP rs2116525298, ClinGen allele CA369056085.

ClinVar aggregate classification (germline): Uncertain significance. Review status: criteria provided, multiple submitters, no conflicts (2 of 4 stars). 2 submissions from 2 submitters: Uncertain significance (2). Last evaluated 2024-01-23.

Conditions:
Hereditary cancer-predisposing syndrome. Also called: Hereditary neoplastic syndrome; Hereditary Cancer Syndrome; Tumor predisposition; Neoplastic Syndromes, Hereditary. Identifiers: Orphanet 140162, MedGen C0027672, MeSH D009386, MONDO:0015356.

Submissions (2):

Blueprint Genetics
Classification: Uncertain significance. Last evaluated: 2024-01-23. Review status: criteria provided, single submitter. Criteria: ACMG Guidelines, 2015. Collection method: clinical testing. Allele origin: germline.

Ambry Genetics
Classification: Uncertain significance for Hereditary cancer-predisposing syndrome. Last evaluated: 2023-09-08. Review status: criteria provided, single submitter. Criteria: Ambry Variant Classification Scheme 2023. Collection method: clinical testing. Allele origin: germline.
Comment: The p.H226R variant (also known as c.677A>G), located in coding exon 5 of the POT1 gene, results from an A to G substitution at nucleotide position 677. The histidine at codon 226 is replaced by arginine, an amino acid with highly similar properties. This amino acid position is highly conserved in available vertebrate species. In addition, this alteration is predicted to be deleterious by in silico analysis. Since supporting evidence is limited at this time, the clinical significance of this alteration remains unclear.